The following is an entry in ClinVar:

NM_001206744.2(TPO):c.95-1G>C

Gene: TPO (thyroid peroxidase; plus strand). Cytogenetic location: 2p25.3.
Variant type: single nucleotide variant.
Coding change: c.95-1G>C on transcript NM_001206744.2 (MANE Select); the canonical splice acceptor site of the intron before coding-DNA position 95, G replaced by C.
Molecular consequence: splice acceptor variant.
Genome position (GRCh38, 1-based): chr2:1,423,044, G>C. VCF-style: chr2-1423044-G-C. GRCh37 (hg19) VCF-style: chr2-1426816-G-C.
Other names: c.95-1G>C (NM_000547.6, NM_175719.4, NM_001206745.2 and 2 more transcripts).
Identifiers: ClinVar variation 2793960 (VCV002793960.3), dbSNP rs2545770831, ClinGen allele CA345728276.

ClinVar aggregate classification (germline): Likely pathogenic (1 of 4 stars; one submission).

Allele frequency attached by ClinVar (database versions not stated): gnomAD exomes below 0.00001.
gnomAD v4.1: 1 of 1,614,154 alleles (0.000062%); highest among the groups gnomAD compares: Non-Finnish European, 0.000085%; no homozygotes.

Submission:

Labcorp Genetics (formerly Invitae), Labcorp
Classification: Likely pathogenic. Last evaluated: 2024-02-17. Review status: criteria provided, single submitter. Criteria: Invitae Variant Classification Sherloc (09022015). Collection method: clinical testing. Allele origin: germline.
Comment: This sequence change affects an acceptor splice site in intron 2 of the TPO gene. It is expected to disrupt RNA splicing. Variants that disrupt the donor or acceptor splice site typically lead to a loss of protein function (PMID: 16199547), and loss-of-function variants in TPO are known to be pathogenic (PMID: 11061528, 23236987, 25564141). This variant is not present in population databases (gnomAD no frequency). This variant has not been reported in the literature in individuals affected with TPO-related conditions. Algorithms developed to predict the effect of sequence changes on RNA splicing suggest that this variant may disrupt the consensus splice site. In summary, the currently available evidence indicates that the variant is pathogenic, but additional data are needed to prove that conclusively. Therefore, this variant has been classified as Likely Pathogenic.

Literature cited by the submitters: PubMed 16199547; PubMed 11061528; PubMed 23236987; PubMed 25564141.